The following is an entry in ClinVar:

NM_139242.4(MTFMT):c.1112G>A (p.Arg371Lys)

Gene: MTFMT (mitochondrial methionyl-tRNA formyltransferase; minus strand). Cytogenetic location: 15q22.31.
Variant type: single nucleotide variant.
Coding change: c.1112G>A on transcript NM_139242.4 (MANE Select); coding-DNA position 1112, G replaced by A.
Protein change: p.Arg371Lys; replaces arginine 371 with lysine.
Molecular consequence: missense variant.
Genome position (GRCh38, 1-based): chr15:65,003,120, C>T on the plus strand (G>A on the coding strand, the complement: MTFMT is on the minus strand). VCF-style: chr15-65003120-C-T. GRCh37 (hg19) VCF-style: chr15-65295458-C-T.
Other names: c.1112G>A (NM_139242.3); short protein forms R371K.
Identifiers: ClinVar variation 1923957 (VCV001923957.4), dbSNP rs771526888, ClinGen allele CA7613146.

ClinVar aggregate classification (germline): Uncertain significance. Review status: criteria provided, multiple submitters, no conflicts (2 of 4 stars). 2 submissions from 2 submitters: Uncertain significance (2). Last evaluated 2024-03-01.

Conditions:
Inborn genetic diseases. Identifiers: MedGen C0950123, MeSH D030342.

Allele frequency attached by ClinVar (database versions not stated): gnomAD exomes below 0.00001; ExAC 0.00001; gnomAD 0.00002; TOPMed 0.00002.

Submissions (2):

Ambry Genetics
Classification: Uncertain significance for Inborn genetic diseases. Last evaluated: 2024-03-01. Review status: criteria provided, single submitter. Criteria: Ambry Variant Classification Scheme 2023. Collection method: clinical testing. Allele origin: germline.

Labcorp Genetics (formerly Invitae), Labcorp
Classification: Uncertain significance. Last evaluated: 2022-07-29. Review status: criteria provided, single submitter. Criteria: Invitae Variant Classification Sherloc (09022015). Collection method: clinical testing. Allele origin: germline.
Comment: In summary, the available evidence is currently insufficient to determine the role of this variant in disease. Therefore, it has been classified as a Variant of Uncertain Significance. Algorithms developed to predict the effect of missense changes on protein structure and function output the following: SIFT: "Tolerated"; PolyPhen-2: "Benign"; Align-GVGD: "Class C0". The lysine amino acid residue is found in multiple mammalian species, which suggests that this missense change does not adversely affect protein function. This variant has not been reported in the literature in individuals affected with MTFMT-related conditions. This variant is present in population databases (rs771526888, gnomAD 0.009%). This sequence change replaces arginine, which is basic and polar, with lysine, which is basic and polar, at codon 371 of the MTFMT protein (p.Arg371Lys).